The following is an entry in ClinVar:

NM_020812.4(DOCK6):c.3997C>T (p.Gln1333Ter)

Genes: DOCK6 (dedicator of cytokinesis 6; minus strand), DOCK6-AS1 (DOCK6 antisense RNA 1; plus strand). Cytogenetic location: 19p13.2.
Variant type: single nucleotide variant.
Coding change: c.3997C>T on transcript NM_020812.4 (MANE Select); coding-DNA position 3997, C replaced by T.
Protein change: p.Gln1333Ter; replaces glutamine 1333 with a stop codon.
Molecular consequence: nonsense.
Genome position (GRCh38, 1-based): chr19:11,215,825, G>A on the plus strand (C>T on the coding strand, the complement: DOCK6 is on the minus strand). VCF-style: chr19-11215825-G-A. GRCh37 (hg19) VCF-style: chr19-11326501-G-A.
Other names: c.4102C>T, p.Gln1368Ter (NM_001367830.1); short protein forms Q1333*, Q1368*.
Identifiers: ClinVar variation 1912499 (VCV001912499.5), dbSNP rs2079476596, ClinGen allele CA404084427.

ClinVar aggregate classification (germline): Pathogenic (1 of 4 stars; one submission).

Allele frequency attached by ClinVar (database versions not stated): gnomAD exomes below 0.00001.
gnomAD v4.1: 1 of 1,613,986 alleles (0.000062%); highest among the groups gnomAD compares: Non-Finnish European, 0.000085%; no homozygotes.

Submission:

Labcorp Genetics (formerly Invitae), Labcorp
Classification: Pathogenic. Last evaluated: 2025-02-24. Review status: criteria provided, single submitter. Criteria: Invitae Variant Classification Sherloc (09022015). Collection method: clinical testing. Allele origin: germline.
Comment: This sequence change creates a premature translational stop signal (p.Gln1333*) in the DOCK6 gene. It is expected to result in an absent or disrupted protein product. Loss-of-function variants in DOCK6 are known to be pathogenic (PMID: 21820096, 25824905). This variant is not present in population databases (gnomAD no frequency). This variant has not been reported in the literature in individuals affected with DOCK6-related conditions. ClinVar contains an entry for this variant (Variation ID: 1912499). For these reasons, this variant has been classified as Pathogenic.

Literature cited by the submitters: PubMed 21820096; PubMed 25824905.